The following is an entry in ClinVar:

NM_144670.6(A2ML1):c.3340-3T>G

Gene: A2ML1 (alpha-2-macroglobulin like 1; plus strand). Cytogenetic location: 12p13.31.
Variant type: single nucleotide variant.
Coding change: c.3340-3T>G on transcript NM_144670.6 (MANE Select); 3 bases into the intron before coding-DNA position 3340, T replaced by G.
Molecular consequence: intron variant.
Genome position (GRCh38, 1-based): chr12:8,861,132, T>G. VCF-style: chr12-8861132-T-G. GRCh37 (hg19) VCF-style: chr12-9013728-T-G.
Other names: c.1867-3T>G (NM_001282424.3).
Identifiers: ClinVar variation 2061732 (VCV002061732.4), dbSNP rs2539289261, ClinGen allele CA2580086318.

ClinVar aggregate classification (germline): Uncertain significance (1 of 4 stars; one submission).

Submission:

Labcorp Genetics (formerly Invitae), Labcorp
Classification: Uncertain significance. Last evaluated: 2021-12-27. Review status: criteria provided, single submitter. Criteria: Invitae Variant Classification Sherloc (09022015). Collection method: clinical testing. Allele origin: germline.
Comment: In summary, the available evidence is currently insufficient to determine the role of this variant in disease. Therefore, it has been classified as a Variant of Uncertain Significance. Variants that disrupt the consensus splice site are a relatively common cause of aberrant splicing (PMID: 17576681, 9536098). Algorithms developed to predict the effect of sequence changes on RNA splicing suggest that this variant may disrupt the consensus splice site. This variant has not been reported in the literature in individuals affected with A2ML1-related conditions. This variant is not present in population databases (gnomAD no frequency). This sequence change falls in intron 27 of the A2ML1 gene. It does not directly change the encoded amino acid sequence of the A2ML1 protein. It affects a nucleotide within the consensus splice site.

Literature cited by the submitters: PubMed 17576681; PubMed 9536098.